The following is an entry in ClinVar:

ClinVar aggregate classification (germline): Uncertain significance. Review status: criteria provided, multiple submitters, no conflicts (2 of 4 stars). 2 submissions from 2 submitters: Uncertain significance (2). Last evaluated 2024-03-11.

Submissions (2):

GeneDx
Classification: Uncertain significance. Last evaluated: 2024-03-11. Review status: criteria provided, single submitter. Criteria: GeneDx Variant Classification Process June 2021. Collection method: clinical testing. Allele origin: germline. Affected: yes.
Comment: Not observed at significant frequency in large population cohorts (gnomAD); In silico analysis supports a deleterious effect on splicing; Has not been previously published as pathogenic or benign to our knowledge

Blueprint Genetics
Classification: Uncertain significance. Last evaluated: 2022-04-25. Review status: criteria provided, single submitter. Criteria: ACMG Guidelines, 2015. Collection method: clinical testing. Allele origin: germline.

NM_001242896.3(DEPDC5):c.2170+4A>G

Gene: DEPDC5 (DEP domain containing 5, GATOR1 subcomplex subunit; plus strand). Cytogenetic location: 22q12.3.
Variant type: single nucleotide variant.
Coding change: c.2170+4A>G on transcript NM_001242896.3 (MANE Select); 4 bases into the intron after coding-DNA position 2170, A replaced by G.
Molecular consequence: intron variant.
Genome position (GRCh38, 1-based): chr22:31,833,984, A>G. VCF-style: chr22-31833984-A-G. GRCh37 (hg19) VCF-style: chr22-32229970-A-G.
Other names: c.2170+4A>G (NM_001364318.2, NM_001136029.4, NM_014662.6 and 3 more transcripts); c.1936+4A>G (NM_001363854.2, NM_001242897.2, NM_001364319.2); c.2086+4A>G (NM_001369902.1, NM_001369901.1).
Identifiers: ClinVar variation 3373761 (VCV003373761.2).